The following is an entry in ClinVar:

ClinVar aggregate classification (germline): Likely benign (1 of 4 stars; one submission).

Submission:

GeneDx
Classification: Likely benign. Last evaluated: 2020-01-23. Review status: criteria provided, single submitter. Criteria: GeneDx Variant Classification Process June 2021. Collection method: clinical testing. Allele origin: germline. Affected: yes.
Comment: See Variant Classification Assertion Criteria.

NM_000197.2(HSD17B3):c.155-206dup

Genes: HSD17B3 (hydroxysteroid 17-beta dehydrogenase 3; minus strand), SLC35D2-HSD17B3 (SLC35D2-HSD17B3 readthrough; minus strand). Cytogenetic location: 9q22.32.
Variant type: Duplication.
Coding change: c.155-206dup on transcript NM_000197.2 (MANE Select); 206 bases into the intron before coding-DNA position 155, one base duplicated (C; older notation c.155-206dupC).
Molecular consequence: intron variant.
Genome position (GRCh38, 1-based): chr9:96,298,668, G duplicated on the plus strand (C on the coding strand, the reverse complement: HSD17B3 is on the minus strand); the first of 2 consecutive G bases (chr9:96,298,668-96,298,669); duplicating either gives the same sequence. VCF-style (leftmost placement, unchanged base first): chr9-96298667-T-TG. GRCh37 (hg19) VCF-style: chr9-99060949-T-TG.
Identifiers: ClinVar variation 1678832 (VCV001678832.2), dbSNP rs8190502, ClinGen allele CA196614236.